The following is an entry in ClinVar:

NM_031935.3(HMCN1):c.11089A>G (p.Ile3697Val)

Gene: HMCN1 (hemicentin 1; plus strand). Cytogenetic location: 1q31.1.
Variant type: single nucleotide variant.
Coding change: c.11089A>G on transcript NM_031935.3 (MANE Select); coding-DNA position 11089, A replaced by G.
Protein change: p.Ile3697Val; replaces isoleucine 3697 with valine.
Molecular consequence: missense variant.
Genome position (GRCh38, 1-based): chr1:186,112,911, A>G. VCF-style: chr1-186112911-A-G. GRCh37 (hg19) VCF-style: chr1-186082043-A-G.
Other names: short protein forms I3697V.
Identifiers: ClinVar variation 2186058 (VCV002186058.4), dbSNP rs2527996885, ClinGen allele CA343940093.

ClinVar aggregate classification (germline): Uncertain significance (1 of 4 stars; one submission).

Allele frequency attached by ClinVar (database versions not stated): gnomAD exomes below 0.00001.
gnomAD v4.1: 1 of 1,614,158 alleles (0.000062%); highest among the groups gnomAD compares: Admixed American, 0.0017%; no homozygotes.

Submission:

Labcorp Genetics (formerly Invitae), Labcorp
Classification: Uncertain significance. Last evaluated: 2024-12-02. Review status: criteria provided, single submitter. Criteria: Invitae Variant Classification Sherloc (09022015). Collection method: clinical testing. Allele origin: germline.
Comment: This sequence change replaces isoleucine, which is neutral and non-polar, with valine, which is neutral and non-polar, at codon 3697 of the HMCN1 protein (p.Ile3697Val). This variant is not present in population databases (gnomAD no frequency). This variant has not been reported in the literature in individuals affected with HMCN1-related conditions. ClinVar contains an entry for this variant (Variation ID: 2186058). An algorithm developed to predict the effect of missense changes on protein structure and function outputs the following: PolyPhen-2: "Benign". The valine amino acid residue is found in multiple mammalian species, which suggests that this missense change does not adversely affect protein function. In summary, the available evidence is currently insufficient to determine the role of this variant in disease. Therefore, it has been classified as a Variant of Uncertain Significance.